The following is an entry in ClinVar:

NM_003500.4(ACOX2):c.836C>A (p.Thr279Asn)

Gene: ACOX2 (acyl-CoA oxidase 2; minus strand). Cytogenetic location: 3p14.3.
Variant type: single nucleotide variant.
Coding change: c.836C>A on transcript NM_003500.4 (MANE Select); coding-DNA position 836, C replaced by A.
Protein change: p.Thr279Asn; replaces threonine 279 with asparagine.
Molecular consequence: missense variant.
Genome position (GRCh38, 1-based): chr3:58,530,622, G>T on the plus strand (C>A on the coding strand, the complement: ACOX2 is on the minus strand). VCF-style: chr3-58530622-G-T. GRCh37 (hg19) VCF-style: chr3-58516349-G-T.
Other names: short protein forms T279N.
Identifiers: ClinVar variation 1899510 (VCV001899510.7), dbSNP rs145855714, ClinGen allele CA2472255.

ClinVar aggregate classification (germline): Uncertain significance. Review status: criteria provided, multiple submitters, no conflicts (2 of 4 stars). 3 submissions from 3 submitters: Uncertain significance (3). Last evaluated 2025-10-22.

Conditions:
ACOX2-related disorder. Also called: ACOX2-related condition.

Allele frequency attached by ClinVar (database versions not stated): gnomAD 0.00007; ESP Exome Variant Server 0.00008; TOPMed 0.00008; ExAC 0.00014; 1000 Genomes Project 0.00020; 1000 Genomes Project 30x 0.00031.
gnomAD v4.1: 81 of 1,614,134 alleles (0.005%); highest among the groups gnomAD compares: Middle Eastern, 0.05%; no homozygotes.

Submissions (3):

PreventionGenetics, part of Exact Sciences
Classification: Uncertain significance for ACOX2-related condition. Last evaluated: 2025-10-22. Review status: criteria provided, single submitter. Criteria: ACMG Guidelines, 2015. Collection method: clinical testing. Allele origin: germline.
Comment: The ACOX2 c.836C>A variant is predicted to result in the amino acid substitution p.Thr279Asn. To our knowledge, this variant has not been reported in the literature. This variant is reported in 0.030% of alleles in individuals of Ashkenazi Jewish descent in gnomAD. At this time, the clinical significance of this variant is uncertain due to the absence of conclusive functional and genetic evidence.

Labcorp Genetics (formerly Invitae), Labcorp
Classification: Uncertain significance. Last evaluated: 2025-10-02. Review status: criteria provided, single submitter. Criteria: Invitae Variant Classification Sherloc (09022015). Collection method: clinical testing. Allele origin: germline.
Comment: This sequence change replaces threonine, which is neutral and polar, with asparagine, which is neutral and polar, at codon 279 of the ACOX2 protein (p.Thr279Asn). This variant is present in population databases (rs145855714, gnomAD 0.04%). This variant has not been reported in the literature in individuals affected with ACOX2-related conditions. ClinVar contains an entry for this variant (Variation ID: 1899510). Invitae Evidence Modeling of protein sequence and biophysical properties (such as structural, functional, and spatial information, amino acid conservation, physicochemical variation, residue mobility, and thermodynamic stability) indicates that this missense variant is not expected to disrupt ACOX2 protein function with a negative predictive value of 80%. In summary, the available evidence is currently insufficient to determine the role of this variant in disease. Therefore, it has been classified as a Variant of Uncertain Significance.

Ambry Genetics
Classification: Uncertain significance. Last evaluated: 2021-08-02. Review status: criteria provided, single submitter. Criteria: Ambry Variant Classification Scheme 2023. Collection method: clinical testing. Allele origin: germline.